The following is an entry in ClinVar:

ClinVar aggregate classification (germline): Uncertain significance. Review status: criteria provided, multiple submitters, no conflicts (2 of 4 stars). 3 submissions from 3 submitters: Uncertain significance (3). Last evaluated 2024-11-24.

Conditions:
Sessile serrated polyposis cancer syndrome (SSPCS). Identifiers: Orphanet 157798, MedGen C4310714, MONDO:0014919, OMIM 617108.

Allele frequency attached by ClinVar (database versions not stated): gnomAD exomes below 0.00001; TOPMed below 0.00001; gnomAD 0.00001.
gnomAD v4.1: 3 of 1,611,730 alleles (0.00019%); highest among the groups gnomAD compares: African/African-American, 0.0013%; no homozygotes.

Submissions (3):

Ambry Genetics
Classification: Uncertain significance. Last evaluated: 2024-11-24. Review status: criteria provided, single submitter. Criteria: Ambry Variant Classification Scheme 2023. Collection method: clinical testing. Allele origin: germline.
Comment: The p.H557R variant (also known as c.1670A>G), located in coding exon 8 of the RNF43 gene, results from an A to G substitution at nucleotide position 1670. The histidine at codon 557 is replaced by arginine, an amino acid with highly similar properties. This amino acid position is conserved. In addition, this alteration is predicted to be tolerated by in silico analysis. Based on the available evidence, the clinical significance of this variant remains unclear.

Labcorp Genetics (formerly Invitae), Labcorp
Classification: Uncertain significance. Last evaluated: 2024-10-18. Review status: criteria provided, single submitter. Criteria: Invitae Variant Classification Sherloc (09022015). Collection method: clinical testing. Allele origin: germline.
Comment: This sequence change replaces histidine, which is basic and polar, with arginine, which is basic and polar, at codon 557 of the RNF43 protein (p.His557Arg). This variant is not present in population databases (gnomAD no frequency). This variant has not been reported in the literature in individuals affected with RNF43-related conditions. ClinVar contains an entry for this variant (Variation ID: 2172611). An algorithm developed to predict the effect of missense changes on protein structure and function (PolyPhen-2) suggests that this variant is likely to be disruptive. In summary, the available evidence is currently insufficient to determine the role of this variant in disease. Therefore, it has been classified as a Variant of Uncertain Significance.

Baylor Genetics
Classification: Uncertain significance for Sessile serrated polyposis cancer syndrome. Last evaluated: 2024-03-24. Review status: criteria provided, single submitter. Criteria: ACMG Guidelines, 2015. Collection method: clinical testing. Allele origin: unknown.

NM_017763.6(RNF43):c.1670A>G (p.His557Arg)

Gene: RNF43 (ring finger protein 43; minus strand). Cytogenetic location: 17q22.
Variant type: single nucleotide variant.
Coding change: c.1670A>G on transcript NM_017763.6 (MANE Select); coding-DNA position 1670, A replaced by G.
Protein change: p.His557Arg; replaces histidine 557 with arginine.
Molecular consequence: missense variant.
Genome position (GRCh38, 1-based): chr17:58,358,106, T>C on the plus strand (A>G on the coding strand, the complement: RNF43 is on the minus strand). VCF-style: chr17-58358106-T-C. GRCh37 (hg19) VCF-style: chr17-56435467-T-C.
Other names: c.1670A>G (NM_017763.4); c.1670A>G, p.His557Arg (NM_001305544.3); c.1289A>G, p.His430Arg (NM_001305545.2); short protein forms H430R, H557R.
Identifiers: ClinVar variation 2172611 (VCV002172611.6), dbSNP rs976847285, ClinGen allele CA292030723.